The following is an entry in ClinVar:

NM_001385012.1(NBEA):c.7155T>C (p.Thr2385=)

Gene: NBEA (neurobeachin; plus strand). Cytogenetic location: 13q13.3.
Variant type: single nucleotide variant.
Coding change: c.7155T>C on transcript NM_001385012.1 (MANE Select); coding-DNA position 7155, T replaced by C.
Protein change: p.Thr2385=; no amino-acid change (threonine 2385 retained).
Molecular consequence: synonymous variant.
Genome position (GRCh38, 1-based): chr13:35,584,017, T>C. VCF-style: chr13-35584017-T-C. GRCh37 (hg19) VCF-style: chr13-36158154-T-C.
Other names: p.Thr2385=; c.534T>C, p.Thr178= (NM_001204197.3); c.7146T>C, p.Thr2382= (NM_001379245.1); c.7155T>C, p.Thr2385= (NM_015678.5).
Identifiers: ClinVar variation 735329 (VCV000735329.4), dbSNP rs775455438, ClinGen allele CA6947695.

ClinVar aggregate classification (germline): Likely benign. Review status: criteria provided, multiple submitters, no conflicts (2 of 4 stars). 2 submissions from 2 submitters: Likely benign (2). Last evaluated 2024-03-05.

Allele frequency attached by ClinVar (database versions not stated): ExAC 0.00002; TOPMed 0.00049; gnomAD 0.00020 and 0.00025; gnomAD exomes 0.00001.
gnomAD v4.1: 57 of 1,613,594 alleles (0.0035%); highest among the groups gnomAD compares: Admixed American, 0.078%; no homozygotes.

Submissions (2):

Mayo Clinic Laboratories, Mayo Clinic
Classification: Likely benign. Last evaluated: 2024-03-05. Review status: criteria provided, single submitter. Criteria: ACMG Guidelines, 2015. Collection method: clinical testing. Allele origin: germline. Observed: 2 variant alleles.
Comment: BP4, BP7

Labcorp Genetics (formerly Invitae), Labcorp
Classification: Likely benign. Last evaluated: 2018-04-16. Review status: criteria provided, single submitter. Criteria: Invitae Variant Classification Sherloc (09022015). Collection method: clinical testing. Allele origin: germline.